The following is an entry in ClinVar:

NM_001034850.3(RETREG1):c.340T>C (p.Trp114Arg)

Gene: RETREG1 (reticulophagy regulator 1; minus strand). Cytogenetic location: 5p15.1.
Variant type: single nucleotide variant.
Coding change: c.340T>C on transcript NM_001034850.3 (MANE Select); coding-DNA position 340, T replaced by C.
Protein change: p.Trp114Arg; replaces tryptophan 114 with arginine.
Molecular consequence: missense variant.
Genome position (GRCh38, 1-based): chr5:16,572,083, A>G on the plus strand (T>C on the coding strand, the complement: RETREG1 is on the minus strand). VCF-style: chr5-16572083-A-G. GRCh37 (hg19) VCF-style: chr5-16572192-A-G.
Other names: short protein forms W114R.
Identifiers: ClinVar variation 2084341 (VCV002084341.4), dbSNP rs367935796, ClinGen allele CA359292507.

ClinVar aggregate classification (germline): Uncertain significance (1 of 4 stars; one submission).

gnomAD v4.1: 5 of 1,613,148 alleles (0.00031%); highest among the groups gnomAD compares: South Asian, 0.0044%; no homozygotes.

Submission:

Labcorp Genetics (formerly Invitae), Labcorp
Classification: Uncertain significance. Last evaluated: 2022-01-15. Review status: criteria provided, single submitter. Criteria: Invitae Variant Classification Sherloc (09022015). Collection method: clinical testing. Allele origin: germline.
Comment: In summary, the available evidence is currently insufficient to determine the role of this variant in disease. Therefore, it has been classified as a Variant of Uncertain Significance. This variant is not present in population databases (gnomAD no frequency). This sequence change replaces tryptophan, which is neutral and slightly polar, with arginine, which is basic and polar, at codon 114 of the RETREG1 protein (p.Trp114Arg). This variant has not been reported in the literature in individuals affected with RETREG1-related conditions. Algorithms developed to predict the effect of missense changes on protein structure and function are either unavailable or do not agree on the potential impact of this missense change (SIFT: "Tolerated"; PolyPhen-2: "Probably Damaging"; Align-GVGD: "Class C0").